The following is an entry in ClinVar:

ClinVar aggregate classification (germline): Uncertain significance (1 of 4 stars; one submission).

Conditions:
Amyotrophic lateral sclerosis type 4 (ALS4). Also called: AMYOTROPHIC LATERAL SCLEROSIS 4, JUVENILE; NEURONOPATHY, DISTAL HEREDITARY MOTOR, WITH PYRAMIDAL FEATURES. Identifiers: Orphanet 357043, MedGen C1865409, MONDO:0011223, OMIM 602433.
Spinocerebellar ataxia, autosomal recessive, with axonal neuropathy 2 (SCAN2). Also called: Ataxia-ocular apraxia-2; ATAXIA-OCULOMOTOR APRAXIA 2; Ataxia with Oculomotor Apraxia; Ataxia with Oculomotor Apraxia Type 2. Identifiers: Orphanet 64753, MedGen C1853761, MONDO:0018996, OMIM 606002.

Submission:

Labcorp Genetics (formerly Invitae), Labcorp
Classification: Uncertain significance for Amyotrophic lateral sclerosis type 4; Spinocerebellar ataxia, autosomal recessive, with axonal neuropathy 2. Last evaluated: 2022-02-04. Review status: criteria provided, single submitter. Criteria: Invitae Variant Classification Sherloc (09022015). Collection method: clinical testing. Allele origin: unknown.
Comment: In summary, the available evidence is currently insufficient to determine the role of this variant in disease. Therefore, it has been classified as a Variant of Uncertain Significance. Experimental studies and prediction algorithms are not available or were not evaluated, and the functional significance of this variant is currently unknown. A similar copy number variant has been observed in individual(s) with clinical features of autosomal recessive spinocerebellar ataxia (Invitae). This variant is a gross deletion of the genomic region encompassing exon(s) 7 of the SETX gene. This variant would be expected to be in-frame, preserving the integrity of the reading frame.

NC_000009.11:g.(?_135209975)_(135210134_?)del

Gene: SETX (senataxin; minus strand). Cytogenetic location: 9q34.13.
Variant type: Deletion.
Identifiers: ClinVar variation 3245200 (VCV003245200.1).